The following is an entry in ClinVar:

ClinVar aggregate classification (germline): Uncertain significance. Review status: criteria provided, multiple submitters, no conflicts (2 of 4 stars). 2 submissions from 2 submitters: Uncertain significance (2). Last evaluated 2025-03-06.

Conditions:
Inborn genetic diseases. Identifiers: MedGen C0950123, MeSH D030342.

Submissions (2):

Ambry Genetics
Classification: Uncertain significance for Inborn genetic diseases. Last evaluated: 2025-03-06. Review status: criteria provided, single submitter. Criteria: Ambry Variant Classification Scheme 2023. Collection method: clinical testing. Allele origin: germline.
Comment: The p.R405T variant (also known as c.1214G>C), located in coding exon 4 of the MBD4 gene, results from a G to C substitution at nucleotide position 1214. The arginine at codon 405 is replaced by threonine, an amino acid with similar properties. This amino acid position is not well conserved in available vertebrate species. In addition, the in silico prediction for this alteration is inconclusive. Based on the available evidence, the clinical significance of this variant remains unclear.

Labcorp Genetics (formerly Invitae), Labcorp
Classification: Uncertain significance. Last evaluated: 2024-08-08. Review status: criteria provided, single submitter. Criteria: Invitae Variant Classification Sherloc (09022015). Collection method: clinical testing. Allele origin: germline.
Comment: This sequence change replaces arginine, which is basic and polar, with threonine, which is neutral and polar, at codon 411 of the MBD4 protein (p.Arg411Thr). This variant is present in population databases (rs754962799, gnomAD 0.0009%). This variant has not been reported in the literature in individuals affected with MBD4-related conditions. An algorithm developed to predict the effect of missense changes on protein structure and function (PolyPhen-2) suggests that this variant is likely to be tolerated. In summary, the available evidence is currently insufficient to determine the role of this variant in disease. Therefore, it has been classified as a Variant of Uncertain Significance.

NM_001276270.2(MBD4):c.1214G>C (p.Arg405Thr)

Gene: MBD4 (methyl-CpG binding domain 4, DNA glycosylase; minus strand). Cytogenetic location: 3q21.3.
Variant type: single nucleotide variant.
Coding change: c.1214G>C on transcript NM_001276270.2 (MANE Select); coding-DNA position 1214, G replaced by C.
Protein change: p.Arg405Thr; replaces arginine 405 with threonine.
Molecular consequence: missense variant.
Genome position (GRCh38, 1-based): chr3:129,434,106, C>G on the plus strand (G>C on the coding strand, the complement: MBD4 is on the minus strand). VCF-style: chr3-129434106-C-G. GRCh37 (hg19) VCF-style: chr3-129152949-C-G.
Other names: c.1232G>C, p.Arg411Thr (NM_001276271.2, NM_001276272.2, NM_003925.3); c.278G>C, p.Arg93Thr (NM_001276273.2); short protein forms R93T, R405T, R411T.
Identifiers: ClinVar variation 3661737 (VCV003661737.3).